The following is an entry in ClinVar:

NM_002335.4(LRP5):c.2841C>A (p.Phe947Leu)

Gene: LRP5 (LDL receptor related protein 5; plus strand). Cytogenetic location: 11q13.2.
Variant type: single nucleotide variant.
Coding change: c.2841C>A on transcript NM_002335.4 (MANE Select); coding-DNA position 2841, C replaced by A.
Protein change: p.Phe947Leu; replaces phenylalanine 947 with leucine.
Molecular consequence: missense variant.
Genome position (GRCh38, 1-based): chr11:68,416,341, C>A. VCF-style: chr11-68416341-C-A. GRCh37 (hg19) VCF-style: chr11-68183809-C-A.
Other names: c.1098C>A, p.Phe366Leu (NM_001291902.2); short protein forms F947L, F366L.
Identifiers: ClinVar variation 1964396 (VCV001964396.5), dbSNP rs1377255746, ClinGen allele CA381619650.

ClinVar aggregate classification (germline): Uncertain significance (1 of 4 stars; one submission).

Allele frequency attached by ClinVar (database versions not stated): TOPMed below 0.00001; gnomAD 0.00002.
gnomAD v4.1: 3 of 1,614,016 alleles (0.00019%); highest among the groups gnomAD compares: Admixed American, 0.005%; no homozygotes.

Submission:

Labcorp Genetics (formerly Invitae), Labcorp
Classification: Uncertain significance. Last evaluated: 2023-05-22. Review status: criteria provided, single submitter. Criteria: Invitae Variant Classification Sherloc (09022015). Collection method: clinical testing. Allele origin: germline.
Comment: In summary, the available evidence is currently insufficient to determine the role of this variant in disease. Therefore, it has been classified as a Variant of Uncertain Significance. Advanced modeling of protein sequence and biophysical properties (such as structural, functional, and spatial information, amino acid conservation, physicochemical variation, residue mobility, and thermodynamic stability) has been performed at Invitae for this missense variant, however the output from this modeling did not meet the statistical confidence thresholds required to predict the impact of this variant on LRP5 protein function. ClinVar contains an entry for this variant (Variation ID: 1964396). This variant has not been reported in the literature in individuals affected with LRP5-related conditions. This variant is present in population databases (no rsID available, gnomAD 0.003%). This sequence change replaces phenylalanine, which is neutral and non-polar, with leucine, which is neutral and non-polar, at codon 947 of the LRP5 protein (p.Phe947Leu).